The following is an entry in ClinVar:

NM_001369268.1(ACAN):c.229C>T (p.Arg77Cys)

Gene: ACAN (aggrecan; plus strand). Cytogenetic location: 15q26.1.
Variant type: single nucleotide variant.
Coding change: c.229C>T on transcript NM_001369268.1 (MANE Select); coding-DNA position 229, C replaced by T.
Protein change: p.Arg77Cys; replaces arginine 77 with cysteine.
Molecular consequence: missense variant.
Genome position (GRCh38, 1-based): chr15:88,838,821, C>T. VCF-style: chr15-88838821-C-T. GRCh37 (hg19) VCF-style: chr15-89382052-C-T.
Other names: c.229C>T (NM_013227.3); c.229C>T, p.Arg77Cys (NM_001135.4, NM_013227.4); short protein forms R77C.
Identifiers: ClinVar variation 1328278 (VCV001328278.8), dbSNP rs575468209, ClinGen allele CA7719174.
Genomic context (GRCh38, chr15:88,838,821, plus strand): 5'-ATGCACCCTGTGACCACCGCCCCTTCTACCGCCCCACTGGCCCCAAGAATCAAGTGGAGC[C>T]GTGTGTCCAAGGAGAAGGAGGTAGTGCTGCTGGTGGCCACTGAAGGGCGCGTGCGGGTCA-3'
Protein context (NP_001356197.1, residues 67-87): APLAPRIKWS[Arg77Cys]VSKEKEVVLL

ClinVar aggregate classification (germline): Uncertain significance. Review status: criteria provided, multiple submitters, no conflicts (2 of 4 stars). 4 submissions from 4 submitters: Uncertain significance (2). 2 of the submissions do not count toward it. Last evaluated 2025-09-29.

Conditions:
Inborn genetic diseases. Identifiers: MedGen C0950123, MeSH D030342.

Allele frequency attached by ClinVar (database versions not stated): gnomAD exomes 0.00001 and 0.00005; gnomAD 0.00004; ExAC 0.00005; TOPMed 0.00005; 1000 Genomes Project 30x 0.00016; 1000 Genomes Project 0.00020.
gnomAD v4.1: 30 of 1,614,004 alleles (0.0019%); highest among the groups gnomAD compares: Middle Eastern, 0.016%; no homozygotes.

Submissions (4):

Labcorp Genetics (formerly Invitae), Labcorp
Classification: Uncertain significance. Last evaluated: 2025-09-29. Review status: criteria provided, single submitter. Criteria: Invitae Variant Classification Sherloc (09022015). Collection method: clinical testing. Allele origin: germline.
Comment: This sequence change replaces arginine, which is basic and polar, with cysteine, which is neutral and slightly polar, at codon 77 of the ACAN protein (p.Arg77Cys). This variant is present in population databases (rs575468209, gnomAD 0.009%). This variant has not been reported in the literature in individuals affected with ACAN-related conditions. ClinVar contains an entry for this variant (Variation ID: 1328278). Invitae Evidence Modeling of protein sequence and biophysical properties (such as structural, functional, and spatial information, amino acid conservation, physicochemical variation, residue mobility, and thermodynamic stability) indicates that this missense variant is not expected to disrupt ACAN protein function with a negative predictive value of 80%. In summary, the available evidence is currently insufficient to determine the role of this variant in disease. Therefore, it has been classified as a Variant of Uncertain Significance.

Ambry Genetics
Classification: Uncertain significance for Inborn genetic diseases. Last evaluated: 2025-02-27. Review status: criteria provided, single submitter. Criteria: Ambry Variant Classification Scheme 2023. Collection method: clinical testing. Allele origin: germline.

Joint Genome Diagnostic Labs from Nijmegen and Maastricht, Radboudumc and MUMC+
Classification: Uncertain significance. Review status: no assertion criteria provided. Collection method: clinical testing. Allele origin: germline. Affected: yes. Study: VKGL Data-share Consensus. Not counted in ClinVar's aggregate classification.

Laboratory of Diagnostic Genome Analysis, Leiden University Medical Center (LUMC)
Classification: Uncertain significance. Review status: no assertion criteria provided. Collection method: clinical testing. Allele origin: germline. Affected: yes. Study: VKGL Data-share Consensus. Not counted in ClinVar's aggregate classification.